The following is an entry in ClinVar:

ClinVar aggregate classification (germline): Benign. Review status: criteria provided, single submitter (1 of 4 stars). 2 submissions from 1 submitter: Benign (2). Last evaluated 2018-01-12.

Conditions:
Charcot-Marie-Tooth disease type 4C (CMT4C). Also called: CHARCOT-MARIE-TOOTH DISEASE, DEMYELINATING, AUTOSOMAL RECESSIVE, TYPE 4C; CMT 4C; Charcot-Marie-Tooth Neuropathy Type 4C (CMT4C); CHARCOT-MARIE-TOOTH DISEASE, DEMYELINATING, TYPE 4C; SH3TC2-Related Hereditary Motor and Sensory Neuropathy. Identifiers: Orphanet 99949, MedGen C1866636, MONDO:0011113, OMIM 601596.
Susceptibility to mononeuropathy of the median nerve, mild. Also called: CARPAL TUNNEL SYNDROME, SUSCEPTIBILITY TO. Identifiers: MedGen C3150596, MONDO:0013237, OMIM 613353.

Allele frequency attached by ClinVar (database versions not stated): TOPMed 0.15358; 1000 Genomes Project 30x 0.15865; 1000 Genomes Project 0.16134; gnomAD 0.16389 and 0.16700.
gnomAD v4.1: 25,440 of 151,996 alleles (17%); highest among the groups gnomAD compares: East Asian, 24%; 2,468 homozygotes.

Submissions (2):

Illumina Laboratory Services, Illumina
Classification: Benign for Susceptibility to mononeuropathy of the median nerve, mild. Last evaluated: 2018-01-12. Review status: criteria provided, single submitter. Criteria: ICSL Variant Classification Criteria 13 December 2019. Collection method: clinical testing. Allele origin: germline.
Comment: This variant was observed in the ICSL laboratory as part of a predisposition screen in an ostensibly healthy population. It had not been previously curated by ICSL or reported in the Human Gene Mutation Database (HGMD: prior to June 1st, 2018), and was therefore a candidate for classification through an automated scoring system. Utilizing variant allele frequency, disease prevalence and penetrance estimates, and inheritance mode, an automated score was calculated to assess if this variant is too frequent to cause the disease. Based on the score and internal cut-off values, a variant classified as benign is not then subjected to further curation. The score for this variant resulted in a classification of benign for this disease.

Illumina Laboratory Services, Illumina
Classification: Benign for Charcot-Marie-Tooth disease type 4C. Last evaluated: 2018-01-12. Review status: criteria provided, single submitter. Criteria: ICSL Variant Classification Criteria 13 December 2019. Collection method: clinical testing. Allele origin: germline.
Comment: the same text as in the submission from Illumina Laboratory Services, Illumina above.

NM_024577.4(SH3TC2):c.*20166T>A

Genes: SH3TC2 (SH3 domain and tetratricopeptide repeats 2; minus strand), LOC126807546 (P300/CBP strongly-dependent group 1 enhancer GRCh37_chr5:148363540-148364739; plus strand). Cytogenetic location: 5q32.
Variant type: single nucleotide variant.
Coding change: c.*20166T>A on transcript NM_024577.4 (MANE Select); 20166 bases downstream of the stop codon, T replaced by A.
Molecular consequence: 3 prime UTR variant.
Genome position (GRCh38, 1-based): chr5:148,984,545, A>T on the plus strand (T>A on the coding strand, the complement: SH3TC2 is on the minus strand). VCF-style: chr5-148984545-A-T. GRCh37 (hg19) VCF-style: chr5-148364108-A-T.
Identifiers: ClinVar variation 351590 (VCV000351590.5), dbSNP rs17795091, ClinGen allele CA10619397.
Genomic context (GRCh38, chr5:148,984,545, plus strand): 5'-GTCTGGGCTCATGACTCATGAGGAAGGTATGCAGGAAGAGGGAAAAGGTGAAAATTGAGC[A>T]TTCCTTGACTAAGTCGAAACCCCTGACTCAGTCTTCTGCCTCACTCTGGACTAGGCAATG-3'